The following is an entry in ClinVar:

NM_001122630.2(CDKN1C):c.322C>T (p.Leu108Phe)

Gene: CDKN1C (cyclin dependent kinase inhibitor 1C; minus strand). Cytogenetic location: 11p15.4.
Variant type: single nucleotide variant.
Coding change: c.322C>T on transcript NM_001122630.2 (MANE Select); coding-DNA position 322, C replaced by T.
Protein change: p.Leu108Phe; replaces leucine 108 with phenylalanine.
Molecular consequence: missense variant. On other transcripts: intron variant (1).
Genome position (GRCh38, 1-based): chr11:2,885,135, G>A on the plus strand (C>T on the coding strand, the complement: CDKN1C is on the minus strand). VCF-style: chr11-2885135-G-A. GRCh37 (hg19) VCF-style: chr11-2906365-G-A.
Other names: c.355C>T, p.Leu119Phe (LRG_533t1, NM_000076.2, NM_001362474.2); c.322C>T, p.Leu108Phe (NM_001122631.2); c.255+67C>T (NM_001362475.2); short protein forms L119F, L108F.
Identifiers: ClinVar variation 453996 (VCV000453996.11), dbSNP rs1323156745, ClinGen allele CA379146871.
Genomic context (GRCh38, chr11:2,885,135, plus strand): 5'-CACTAGGCAGCTGCTCCGGCGCCTCCTCGAGGCCGTCGAGGGACTCAGCGGCCGGCTCGA[G>A]GGGCGGGCTGACAGCCACCGCGACCGCGACGGGCCGCGGCGCCAGCAGCAGGCGGCAGCG-3'
Protein context (NP_001116102.1, residues 98-118): VAVAVAVSPP[Leu108Phe]EPAAESLDGL

ClinVar aggregate classification (germline): Uncertain significance. Review status: criteria provided, multiple submitters, no conflicts (2 of 4 stars). 3 submissions from 3 submitters: Uncertain significance (3). Last evaluated 2025-09-03.

Conditions:
Inborn genetic diseases. Identifiers: MedGen C0950123, MeSH D030342.
Beckwith-Wiedemann syndrome (BWS). Also called: EMG SYNDROME; Exomphalos macroglossia gigantism syndrome. Identifiers: Orphanet 116, MedGen C0004903, MONDO:0007534, OMIM 130650.

Allele frequency attached by ClinVar (database versions not stated): gnomAD exomes 0.00001; TOPMed 0.00003.

Submissions (3):

Labcorp Genetics (formerly Invitae), Labcorp
Classification: Uncertain significance for Beckwith-Wiedemann syndrome. Last evaluated: 2025-09-03. Review status: criteria provided, single submitter. Criteria: Invitae Variant Classification Sherloc (09022015). Collection method: clinical testing. Allele origin: germline.
Comment: This sequence change replaces leucine, which is neutral and non-polar, with phenylalanine, which is neutral and non-polar, at codon 119 of the CDKN1C protein (p.Leu119Phe). The frequency data for this variant in the population databases is considered unreliable, as metrics indicate poor data quality at this position in the gnomAD database. This variant has not been reported in the literature in individuals affected with CDKN1C-related conditions. ClinVar contains an entry for this variant (Variation ID: 453996). Invitae Evidence Modeling of protein sequence and biophysical properties (such as structural, functional, and spatial information, amino acid conservation, physicochemical variation, residue mobility, and thermodynamic stability) indicates that this missense variant is not expected to disrupt CDKN1C protein function with a negative predictive value of 80%. In summary, the available evidence is currently insufficient to determine the role of this variant in disease. Therefore, it has been classified as a Variant of Uncertain Significance.

Ambry Genetics
Classification: Uncertain significance for Inborn genetic diseases. Last evaluated: 2024-12-25. Review status: criteria provided, single submitter. Criteria: Ambry Variant Classification Scheme 2023. Collection method: clinical testing. Allele origin: germline.

Baylor Genetics
Classification: Uncertain significance for Beckwith-Wiedemann syndrome. Last evaluated: 2024-01-30. Review status: criteria provided, single submitter. Criteria: ACMG Guidelines, 2015. Collection method: clinical testing. Allele origin: unknown.